The following is an entry in ClinVar:

NC_000023.10:g.(?_32380885)_(32756908_?)dup

Gene: DMD (dystrophin; minus strand). Cytogenetic location: Xp21.1.
Variant type: Duplication.
Identifiers: ClinVar variation 2424997 (VCV002424997.5).

ClinVar aggregate classification (germline): Likely pathogenic (1 of 4 stars; one submission).

Conditions:
Duchenne muscular dystrophy (DMD). Also called: Duchenne Muscular Dystrophy (DMD); MUSCULAR DYSTROPHY, PSEUDOHYPERTROPHIC PROGRESSIVE, DUCHENNE TYPE. Identifiers: Orphanet 98896, MedGen C0013264, MONDO:0010679, OMIM 310200.

Submission:

Labcorp Genetics (formerly Invitae), Labcorp
Classification: Likely pathogenic for Duchenne muscular dystrophy. Last evaluated: 2022-04-15. Review status: criteria provided, single submitter. Criteria: Invitae Variant Classification Sherloc (09022015). Collection method: clinical testing. Allele origin: germline.
Comment: This variant results in a copy number gain of the genomic region encompassing exon(s) 8-37 of the DMD gene. While the exact position of this variant cannot be determined from the data, sub-genic copy number gains are generally in tandem (PMID: 25640679). This variant is predicted to be out-of-frame, and may result in an absent or disrupted protein product. Loss-of-function variants in DMD are known to be pathogenic (PMID: 16770791, 25007885). A similar copy number variant has been observed in individual(s) with clinical features of DMD-related conditions (Invitae). In summary, the currently available evidence indicates that the variant is pathogenic, but additional data are needed to prove that conclusively. Therefore, this variant has been classified as Likely Pathogenic.

Literature cited by the submitters: PubMed 25640679; PubMed 16770791; PubMed 25007885.